The following is an entry in ClinVar:

ClinVar aggregate classification (germline): Likely benign (0 of 4 stars; one submission).

Conditions:
RBM22-related disorder. Also called: RBM22-related condition.

Allele frequency attached by ClinVar (database versions not stated): ExAC 0.00017; TOPMed 0.00026; ESP Exome Variant Server 0.00031; gnomAD 0.00034.
gnomAD v4.1: 817 of 1,614,126 alleles (0.051%); highest among the groups gnomAD compares: Non-Finnish European, 0.065%; no homozygotes.

Submission:

PreventionGenetics, part of Exact Sciences
Classification: Likely benign for RBM22-related condition. Last evaluated: 2020-02-26. Review status: no assertion criteria provided. Collection method: clinical testing. Allele origin: germline.
Comment: This variant is classified as likely benign based on ACMG/AMP sequence variant interpretation guidelines (Richards et al. 2015 PMID: 25741868, with internal and published modifications).

NM_018047.3(RBM22):c.-8C>T

Gene: RBM22 (RNA binding motif protein 22; minus strand). Cytogenetic location: 5q33.1.
Variant type: single nucleotide variant.
Coding change: c.-8C>T on transcript NM_018047.3 (MANE Select); 8 bases upstream of the start codon, C replaced by T.
Molecular consequence: 5 prime UTR variant.
Genome position (GRCh38, 1-based): chr5:150,700,993, G>A on the plus strand (C>T on the coding strand, the complement: RBM22 is on the minus strand). VCF-style: chr5-150700993-G-A. GRCh37 (hg19) VCF-style: chr5-150080555-G-A.
Identifiers: ClinVar variation 3051146 (VCV003051146.2), dbSNP rs200014509, ClinGen allele CA3514324.
Genomic context (GRCh38, chr5:150,700,993, plus strand): 5'-GCATCCTCCCAGTTCTGCCTGTTGTAGGTGTTGGAACCCAGAGAGGTCGCCATCTTGAGA[G>A]CGTCCGGAGGTAGCTGTAGCTTCCGAATTGGGAGAGAGGACCGCCACAATCCCGTCAAGC-3'